The following is an entry in ClinVar:

NM_031857.2(PCDHA9):c.219C>T (p.Asp73=)

Genes: PCDHA1 (protocadherin alpha 1; plus strand), PCDHA2 (protocadherin alpha 2; plus strand), PCDHA3 (protocadherin alpha 3; plus strand), PCDHA4 (protocadherin alpha 4; plus strand), PCDHA5 (protocadherin alpha 5; plus strand) and 5 more. Cytogenetic location: 5q31.3.
Variant type: single nucleotide variant.
Coding change: c.219C>T on transcript NM_031857.2 (MANE Select); coding-DNA position 219, C replaced by T.
Protein change: p.Asp73=; no amino-acid change (aspartic acid 73 retained).
Molecular consequence: synonymous variant. On other transcripts: intron variant (10).
Genome position (GRCh38, 1-based): chr5:140,848,714, C>T. VCF-style: chr5-140848714-C-T. GRCh37 (hg19) VCF-style: chr5-140228299-C-T.
Other names: c.219C>T, p.Asp73= (NM_014005.5); c.2394+60030C>T (NM_018900.4); c.1602+60822C>T (NM_031411.3); c.2388+51362C>T (NM_018905.3); c.2394+45123C>T (NM_018906.3); c.2385+39142C>T (NM_018907.4); c.2352+24587C>T (NM_018908.3); c.2394+18229C>T (NM_018909.4); and 3 more.
Identifiers: ClinVar variation 3257100 (VCV003257100.15).

ClinVar aggregate classification (germline): Likely benign (1 of 4 stars; one submission).

Submission:

CeGaT Center for Human Genetics Tuebingen
Classification: Likely benign. Last evaluated: 2024-07-01. Review status: criteria provided, single submitter. Criteria: CeGaT Center For Human Genetics Tuebingen Variant Classification Criteria Version 2. Collection method: clinical testing. Allele origin: germline. Affected: yes. Observed: 1 variant allele.
Comment: PCDHA9: BP4, BP7